The following is an entry in ClinVar:

NM_001368894.2(PAX6):c.630_649dup (p.Arg217fs)

Gene: PAX6 (paired box 6; minus strand). Cytogenetic location: 11p13.
Variant type: Duplication.
Coding change: c.630_649dup on transcript NM_001368894.2 (MANE Select); coding-DNA positions 630 to 649, 20 bases duplicated (TTCAGATGAGGCTCAAATGC).
Protein change: p.Arg217fs; shifts the reading frame from arginine 217.
Molecular consequence: frameshift variant. On other transcripts: initiator codon variant (1), non-coding transcript variant (2).
Genome position (GRCh38, 1-based): chr11:31,794,705-31,794,724, GCATTTGAGCCTCATCTGAA duplicated on the plus strand (TTCAGATGAGGCTCAAATGC on the coding strand, the reverse complement: PAX6 is on the minus strand). VCF-style (leftmost placement, unchanged base first): chr11-31794704-C-CGCATTTGAGCCTCATCTGAA. GRCh37 (hg19) VCF-style: chr11-31816252-C-CGCATTTGAGCCTCATCTGAA.
Other names: c.180_199dup, p.Arg67fs (NM_001368903.2, NM_001368904.2, NM_001368905.2 and 11 more transcripts); c.831_850dup, p.Arg284fs (NM_001368910.2); c.633_652dup, p.Arg218fs (NM_001368911.2); c.630_649dup, p.Arg217fs (NM_001368912.2, NM_001368913.2, NM_001368914.2 and 6 more transcripts); c.588_607dup, p.Arg203fs (NM_001368915.2, NM_001368916.2, NM_001368917.2 and 10 more transcripts); c.705_724dup, p.Arg242fs (NM_001368918.2, NM_001368919.2); c.663_682dup, p.Arg228fs (NM_001368920.2); c.429_448dup, p.Arg150fs (NM_001368921.2, NM_001368922.2, NM_001368923.2 and 4 more transcripts); and 2 more; short protein forms R203fs, R217fs, R242fs, R228fs, R284fs, R136fs, R150fs, R218fs.
Identifiers: ClinVar variation 4786670 (VCV004786670.1).

ClinVar aggregate classification (germline): Pathogenic (1 of 4 stars; one submission).

Conditions:
Aniridia 1 (AN1). Identifiers: Orphanet 250923, MedGen C0344542, MONDO:0024507, OMIM 106210.
Irido-corneo-trabecular dysgenesis (ASGD5). Also called: ANTERIOR SEGMENT DYSGENESIS 5. Identifiers: Orphanet 708, MedGen C0344559, MONDO:0011414, OMIM 604229, HP:0000659.

Submission:

Labcorp Genetics (formerly Invitae), Labcorp
Classification: Pathogenic for Aniridia 1; Irido-corneo-trabecular dysgenesis. Last evaluated: 2025-11-11. Review status: criteria provided, single submitter. Criteria: Invitae Variant Classification Sherloc (09022015). Collection method: clinical testing. Allele origin: germline.
Comment: This sequence change creates a premature translational stop signal (p.Arg203Leufs*11) in the PAX6 gene. It is expected to result in an absent or disrupted protein product. Loss-of-function variants in PAX6 are known to be pathogenic (PMID: 12634864). This variant is not present in population databases (gnomAD no frequency). This variant has not been reported in the literature in individuals affected with PAX6-related conditions. For these reasons, this variant has been classified as Pathogenic.

Literature cited by the submitters: PubMed 12634864.